The following is an entry in ClinVar:

ClinVar aggregate classification (germline): Uncertain significance. Review status: criteria provided, multiple submitters, no conflicts (2 of 4 stars). 2 submissions from 2 submitters: Uncertain significance (2). Last evaluated 2025-08-29.

Conditions:
TTN-related disorder. Also called: TTN-related condition; TTN-related disease; TTN-related disorders.

gnomAD v4.1: 7 of 1,613,386 alleles (0.00043%); highest among the groups gnomAD compares: African/African-American, 0.0067%; no homozygotes.

Submissions (2):

PreventionGenetics, part of Exact Sciences
Classification: Uncertain significance for TTN-related condition. Last evaluated: 2025-08-29. Review status: criteria provided, single submitter. Criteria: ACMG Guidelines, 2015. Collection method: clinical testing. Allele origin: germline.
Comment: The TTN c.29905G>A variant is predicted to result in the amino acid substitution p.Gly9969Ser. To our knowledge, this variant has not been reported in the literature. This variant is reported in 0.011% of alleles in individuals of African descent in gnomAD. At this time, the clinical significance of this variant is uncertain due to the absence of conclusive functional and genetic evidence.

Revvity Omics, Revvity
Classification: Uncertain significance. Last evaluated: 2023-09-27. Review status: criteria provided, single submitter. Criteria: ACMG Guidelines, 2015. Collection method: clinical testing. Allele origin: germline.

NM_001267550.2(TTN):c.29905G>A (p.Gly9969Ser)

Gene: TTN (titin; minus strand). Cytogenetic location: 2q31.2.
Variant type: single nucleotide variant.
Coding change: c.29905G>A on transcript NM_001267550.2 (MANE Select); coding-DNA position 29905, G replaced by A.
Protein change: p.Gly9969Ser; replaces glycine 9969 with serine.
Molecular consequence: missense variant. On other transcripts: intron variant (3).
Genome position (GRCh38, 1-based): chr2:178,704,567, C>T on the plus strand (G>A on the coding strand, the complement: TTN is on the minus strand). VCF-style: chr2-178704567-C-T. GRCh37 (hg19) VCF-style: chr2-179569294-C-T.
Other names: c.28954G>A, p.Gly9652Ser (NM_001256850.1); c.26173G>A, p.Gly8725Ser (NM_133378.4); c.13282+33515G>A (NM_003319.4); c.13858+33515G>A (NM_133437.4); c.13657+33515G>A (NM_133432.3); short protein forms G8725S, G9652S, G9969S.
Identifiers: ClinVar variation 4080883 (VCV004080883.2).
Genomic context (GRCh38, chr2:178,704,567, plus strand): 5'-TACCAATTACAGTTAGTTTAGCGCTAGCGATGTGTGGACCACAAACCAATCGATAATTGC[C>T]CTGGTCTTTAAGTTGACAGTTTTTGACTCTGAGTGTATGTCGGTCACCATCAATGCTTAT-3'
Protein context (NP_001254479.2, residues 9959-9979): RVKNCQLKDQ[Gly9969Ser]NYRLVCGPHI